The following is an entry in ClinVar:

NM_005573.4(LMNB1):c.414T>C (p.Tyr138=)

Gene: LMNB1 (lamin B1; plus strand). Cytogenetic location: 5q23.2.
Variant type: single nucleotide variant.
Coding change: c.414T>C on transcript NM_005573.4 (MANE Select); coding-DNA position 414, T replaced by C.
Protein change: p.Tyr138=; no amino-acid change (tyrosine 138 retained).
Molecular consequence: synonymous variant. On other transcripts: 5 prime UTR variant (1), non-coding transcript variant (1).
Genome position (GRCh38, 1-based): chr5:126,804,830, T>C. VCF-style: chr5-126804830-T-C. GRCh37 (hg19) VCF-style: chr5-126140522-T-C.
Other names: c.-217T>C (NM_001198557.2).
Identifiers: ClinVar variation 66614 (VCV000066614.14), dbSNP rs3749830, ClinGen allele CA217399.
Genomic context (GRCh38, chr5:126,804,830, plus strand): 5'-TTCCAGCTATGCTAAGAAGGAATCTGATCTTAATGGCGCCCAGATCAAGCTTCGAGAATA[T>C]GAAGCAGCACTGAATTCGAAAGATGCAGCTCTTGCTACTGCACTTGGTGACAAAAAAAGT-3'
Protein context (NP_005564.1, residues 128-148): LNGAQIKLRE[Tyr138=]EAALNSKDAA

ClinVar aggregate classification (germline): Benign. Review status: criteria provided, multiple submitters, no conflicts (2 of 4 stars). 4 submissions from 4 submitters: Benign (3). 1 of the submissions does not count toward it. Last evaluated 2026-01-28.

Conditions:
Adult-onset autosomal dominant demyelinating leukodystrophy. Identifiers: Orphanet 99027, MedGen C1868512, MONDO:0008215.

Allele frequency attached by ClinVar (database versions not stated): ExAC 0.06226; TOPMed 0.05229; ESP Exome Variant Server 0.05382; gnomAD 0.05426 and 0.05462; 1000 Genomes Project 0.04333; gnomAD exomes 0.06054 and 0.06260; 1000 Genomes Project 30x 0.04450.
gnomAD v4.1: 100,000 of 1,613,696 alleles (6.2%); highest among the groups gnomAD compares: South Asian, 7.5%; 3,265 homozygotes.

Submissions (4):

Labcorp Genetics (formerly Invitae), Labcorp
Classification: Benign. Last evaluated: 2026-01-28. Review status: criteria provided, single submitter. Criteria: Invitae Variant Classification Sherloc (09022015). Collection method: clinical testing. Allele origin: germline.

GeneDx
Classification: Benign. Last evaluated: 2021-05-04. Review status: criteria provided, single submitter. Criteria: GeneDx Variant Classification Process June 2021. Collection method: clinical testing. Allele origin: germline. Affected: yes.

Illumina Laboratory Services, Illumina
Classification: Benign for Leukodystrophy, demyelinating, adult-onset, autosomal dominant, typical. Last evaluated: 2018-01-12. Review status: criteria provided, single submitter. Criteria: ICSL Variant Classification Criteria 13 December 2019. Collection method: clinical testing. Allele origin: germline.
Comment: This variant was observed in the ICSL laboratory as part of a predisposition screen in an ostensibly healthy population. It had not been previously curated by ICSL or reported in the Human Gene Mutation Database (HGMD: prior to June 1st, 2018), and was therefore a candidate for classification through an automated scoring system. Utilizing variant allele frequency, disease prevalence and penetrance estimates, and inheritance mode, an automated score was calculated to assess if this variant is too frequent to cause the disease. Based on the score and internal cut-off values, a variant classified as benign is not then subjected to further curation. The score for this variant resulted in a classification of benign for this disease.

Epithelial Biology;  Institute of Medical Biology, Singapore
No classification provided. Review status: no classification provided. Collection method: not provided. Allele origin: not provided. Not counted in ClinVar's aggregate classification.